The following is an entry in ClinVar:

NM_023067.4(FOXL2):c.1053C>T (p.Pro351=)

Gene: FOXL2 (forkhead box L2; minus strand). Cytogenetic location: 3q22.3.
Variant type: single nucleotide variant.
Coding change: c.1053C>T on transcript NM_023067.4 (MANE Select); coding-DNA position 1053, C replaced by T.
Protein change: p.Pro351=; no amino-acid change (proline 351 retained).
Molecular consequence: synonymous variant.
Genome position (GRCh38, 1-based): chr3:138,945,670, G>A on the plus strand (C>T on the coding strand, the complement: FOXL2 is on the minus strand). VCF-style: chr3-138945670-G-A. GRCh37 (hg19) VCF-style: chr3-138664512-G-A.
Identifiers: ClinVar variation 2188545 (VCV002188545.29), dbSNP rs183837821, ClinGen allele CA2639689.

ClinVar aggregate classification (germline): Likely benign. Review status: criteria provided, multiple submitters, no conflicts (2 of 4 stars). 3 submissions from 3 submitters: Likely benign (3). Last evaluated 2023-11-27.

Allele frequency attached by ClinVar (database versions not stated): ExAC 0.00007; TOPMed 0.00011; 1000 Genomes Project 30x 0.00016; 1000 Genomes Project 0.00020; ESP Exome Variant Server 0.00023.
gnomAD v4.1: 213 of 1,588,450 alleles (0.013%); highest among the groups gnomAD compares: Non-Finnish European, 0.017%; no homozygotes.

Submissions (3):

Blueprint Genetics
Classification: Likely benign. Last evaluated: 2023-11-27. Review status: criteria provided, single submitter. Criteria: ACMG Guidelines, 2015. Collection method: clinical testing. Allele origin: germline.

Labcorp Genetics (formerly Invitae), Labcorp
Classification: Likely benign. Last evaluated: 2023-05-20. Review status: criteria provided, single submitter. Criteria: Invitae Variant Classification Sherloc (09022015). Collection method: clinical testing. Allele origin: germline.

CeGaT Center for Human Genetics Tuebingen
Classification: Likely benign. Last evaluated: 2022-07-01. Review status: criteria provided, single submitter. Criteria: CeGaT Center For Human Genetics Tuebingen Variant Classification Criteria Version 2. Collection method: clinical testing. Allele origin: germline. Affected: yes. Observed: 1 variant allele.
Comment: FOXL2: BP4, BP7